The following is an entry in ClinVar:

NM_001144952.2(SDK2):c.648C>G (p.Thr216=)

Gene: SDK2 (sidekick cell adhesion molecule 2; minus strand). Cytogenetic location: 17q25.1.
Variant type: single nucleotide variant.
Coding change: c.648C>G on transcript NM_001144952.2 (MANE Select); coding-DNA position 648, C replaced by G.
Protein change: p.Thr216=; no amino-acid change (threonine 216 retained).
Molecular consequence: synonymous variant.
Genome position (GRCh38, 1-based): chr17:73,440,889, G>C on the plus strand (C>G on the coding strand, the complement: SDK2 is on the minus strand). VCF-style: chr17-73440889-G-C. GRCh37 (hg19) VCF-style: chr17-71437028-G-C.
Identifiers: ClinVar variation 2648187 (VCV002648187.24), dbSNP rs61752534, ClinGen allele CA8744066.

ClinVar aggregate classification (germline): Likely benign (1 of 4 stars; one submission).

Allele frequency attached by ClinVar (database versions not stated): 1000 Genomes Project 0.00300; 1000 Genomes Project 30x 0.00312; TOPMed 0.00539; gnomAD 0.00611; ESP Exome Variant Server 0.00635; ExAC 0.00708.
gnomAD v4.1: 10,466 of 1,551,646 alleles (0.67%); highest among the groups gnomAD compares: Middle Eastern, 2.2%; 64 homozygotes.

Submission:

CeGaT Center for Human Genetics Tuebingen
Classification: Likely benign. Last evaluated: 2023-02-01. Review status: criteria provided, single submitter. Criteria: CeGaT Center For Human Genetics Tuebingen Variant Classification Criteria Version 2. Collection method: clinical testing. Allele origin: germline. Affected: yes. Observed: 3 variant alleles.
Comment: SDK2: BP4, BP7, BS2